The following is an entry in ClinVar:

NM_015271.5(TRIM2):c.2265G>A (p.Val755=)

Gene: TRIM2 (tripartite motif containing 2; plus strand). Cytogenetic location: 4q31.3.
Variant type: single nucleotide variant.
Coding change: c.2265G>A on transcript NM_015271.5 (MANE Select); coding-DNA position 2265, G replaced by A.
Protein change: p.Val755=; no amino-acid change (valine 755 retained).
Molecular consequence: synonymous variant.
Genome position (GRCh38, 1-based): chr4:153,334,915, G>A. VCF-style: chr4-153334915-G-A. GRCh37 (hg19) VCF-style: chr4-154256067-G-A.
Other names: c.2184G>A, p.Val728= (NM_001130067.2, NM_001375512.1, NM_001375513.1 and 4 more transcripts); c.2250G>A, p.Val750= (NM_001351054.2); c.2247G>A, p.Val749= (NM_001351055.2); c.2196G>A, p.Val732= (NM_001351056.2); c.1809G>A, p.Val603= (NM_001351057.2); c.2358G>A, p.Val786= (NM_001375488.1); c.2355G>A, p.Val785= (NM_001375489.1); c.2208G>A, p.Val736= (NM_001375490.1); and 4 more.
Identifiers: ClinVar variation 838972 (VCV000838972.39), dbSNP rs1180600606, ClinGen allele CA441781005.

ClinVar aggregate classification (germline): Conflicting classifications of pathogenicity. Review status: criteria provided, conflicting classifications (1 of 4 stars). 2 submissions from 2 submitters: Uncertain significance (1); Likely benign (1). Last evaluated 2022-11-22.

Conditions:
Charcot-Marie-Tooth disease type 2R. Also called: CHARCOT-MARIE-TOOTH DISEASE, AXONAL, AUTOSOMAL RECESSIVE, TYPE 2R; CHARCOT-MARIE-TOOTH NEUROPATHY, TYPE 2R; Charcot-Marie-Tooth disease, axonal, type 2R. Identifiers: Orphanet 397968, MedGen C3809655, MONDO:0014208, OMIM 615490.

Allele frequency attached by ClinVar (database versions not stated): gnomAD exomes below 0.00001; TOPMed below 0.00001; gnomAD 0.00001.

Submissions (2):

Labcorp Genetics (formerly Invitae), Labcorp
Classification: Likely benign for Charcot-Marie-Tooth disease type 2R. Last evaluated: 2022-11-22. Review status: criteria provided, single submitter. Criteria: Invitae Variant Classification Sherloc (09022015). Collection method: clinical testing. Allele origin: germline.

CeGaT Center for Human Genetics Tuebingen
Classification: Uncertain significance. Last evaluated: 2022-07-01. Review status: criteria provided, single submitter. Criteria: CeGaT Center For Human Genetics Tuebingen Variant Classification Criteria Version 2. Collection method: clinical testing. Allele origin: germline. Affected: yes. Observed: 1 variant allele.
Comment: TRIM2: PM2:Supporting, BP4